The following is an entry in ClinVar:

ClinVar aggregate classification (germline): Benign. Review status: criteria provided, single submitter (1 of 4 stars). 2 submissions from 2 submitters: Benign (1). 1 of the submissions does not count toward it. Last evaluated 2024-11-28.

Conditions:
TMEM240-related disorder. Also called: TMEM240-related condition.

Submissions (2):

Labcorp Genetics (formerly Invitae), Labcorp
Classification: Benign. Last evaluated: 2024-11-28. Review status: criteria provided, single submitter. Criteria: Invitae Variant Classification Sherloc (09022015). Collection method: clinical testing. Allele origin: germline.

PreventionGenetics, part of Exact Sciences
Classification: Likely benign for TMEM240-related condition. Last evaluated: 2019-08-13. Review status: no assertion criteria provided. Collection method: clinical testing. Allele origin: germline. Not counted in ClinVar's aggregate classification.
Comment: This variant is classified as likely benign based on ACMG/AMP sequence variant interpretation guidelines (Richards et al. 2015 PMID: 25741868, with internal and published modifications).

NM_001114748.2(TMEM240):c.373+9_373+11del

Gene: TMEM240 (transmembrane protein 240; minus strand). Cytogenetic location: 1p36.33.
Variant type: Deletion.
Coding change: c.373+9_373+11del on transcript NM_001114748.2 (MANE Select); bases 9 to 11 of the intron after coding-DNA position 373, 3 bases deleted (CTC; older notation c.373+9_373+11delCTC).
Molecular consequence: intron variant.
Genome position (GRCh38, 1-based): chr1:1,535,578-1,535,580, GAG deleted on the plus strand (CTC on the coding strand, the reverse complement: TMEM240 is on the minus strand); deleting any 3 consecutive bases within chr1:1,535,578-1,535,581 gives the same sequence; the c. name uses the placement nearest the transcript's 3' end. VCF-style (leftmost placement, unchanged base first): chr1-1535577-CGAG-C. GRCh37 (hg19) VCF-style: chr1-1470957-CGAG-C.
Other names: c.373+9_373+11delCTC (NM_001114748.1).
Identifiers: ClinVar variation 2038888 (VCV002038888.6), dbSNP rs765411959, ClinGen allele CA526669.